The following is an entry in ClinVar:

NC_000006.11:g.(?_64940465)_(65622656_?)dup

Gene: EYS (eyes shut homolog; minus strand). Cytogenetic location: 6q12.
Variant type: Duplication.
Identifiers: ClinVar variation 2423857 (VCV002423857.4).

ClinVar aggregate classification (germline): Likely pathogenic (1 of 4 stars; one submission).

Submission:

Labcorp Genetics (formerly Invitae), Labcorp
Classification: Likely pathogenic. Last evaluated: 2022-09-29. Review status: criteria provided, single submitter. Criteria: Invitae Variant Classification Sherloc (09022015). Collection method: clinical testing. Allele origin: germline.
Comment: In summary, the currently available evidence indicates that the variant is pathogenic, but additional data are needed to prove that conclusively. Therefore, this variant has been classified as Likely Pathogenic. This variant has not been reported in the literature in individuals affected with EYS-related conditions. This variant results in a copy number gain of the genomic region encompassing exon(s) 16-31 of the EYS gene. While the exact position of this variant cannot be determined from the data, sub-genic copy number gains are generally in tandem (PMID: 25640679). This variant is predicted to be out-of-frame, and may result in an absent or disrupted protein product. Loss-of-function variants in EYS are known to be pathogenic (PMID: 18836446, 20333770).

Literature cited by the submitters: PubMed 25640679; PubMed 18836446; PubMed 20333770.